The following is an entry in ClinVar:

NM_001252078.2(USP15):c.801A>G (p.Ser267=)

Gene: USP15 (ubiquitin specific peptidase 15; plus strand). Cytogenetic location: 12q14.1.
Variant type: single nucleotide variant.
Coding change: c.801A>G on transcript NM_001252078.2 (MANE Select); coding-DNA position 801, A replaced by G.
Protein change: p.Ser267=; no amino-acid change (serine 267 retained).
Molecular consequence: synonymous variant. On other transcripts: 5 prime UTR variant (4), non-coding transcript variant (5).
Genome position (GRCh38, 1-based): chr12:62,355,361, A>G. VCF-style: chr12-62355361-A-G. GRCh37 (hg19) VCF-style: chr12-62749142-A-G.
Other names: c.438A>G, p.Ser146= (NM_001351159.2); c.54A>G, p.Ser18= (NM_001351160.2); c.-345A>G (NM_001351163.2, NM_001351165.2, NM_001351166.2); c.-284A>G (NM_001351164.2); c.714A>G, p.Ser238= (NM_006313.3).
Identifiers: ClinVar variation 3042654 (VCV003042654.2), dbSNP rs748714475, ClinGen allele CA6662606.

ClinVar aggregate classification (germline): Likely benign (0 of 4 stars; one submission).

Conditions:
USP15-related disorder. Also called: USP15-related condition.

Allele frequency attached by ClinVar (database versions not stated): gnomAD 0.00001; TOPMed 0.00002; gnomAD exomes 0.00009; ExAC 0.00015.
gnomAD v4.1: 132 of 1,610,372 alleles (0.0082%); highest among the groups gnomAD compares: Middle Eastern, 0.12%; no homozygotes.

Submission:

PreventionGenetics, part of Exact Sciences
Classification: Likely benign for USP15-related condition. Last evaluated: 2019-03-05. Review status: no assertion criteria provided. Collection method: clinical testing. Allele origin: germline.
Comment: This variant is classified as likely benign based on ACMG/AMP sequence variant interpretation guidelines (Richards et al. 2015 PMID: 25741868, with internal and published modifications).